The following is an entry in ClinVar:

ClinVar aggregate classification (germline): Likely benign (0 of 4 stars; one submission).

Conditions:
PIEZO1-related disorder. Also called: PIEZO1-related condition; PIEZO1-Related Disorders.

Submission:

PreventionGenetics, part of Exact Sciences
Classification: Likely benign for PIEZO1-related condition. Last evaluated: 2021-06-10. Review status: no assertion criteria provided. Collection method: clinical testing. Allele origin: germline.
Comment: This variant is classified as likely benign based on ACMG/AMP sequence variant interpretation guidelines (Richards et al. 2015 PMID: 25741868, with internal and published modifications).

NM_001142864.4(PIEZO1):c.189G>A (p.Leu63=)

Gene: PIEZO1 (piezo type mechanosensitive ion channel component 1 (Er blood group); minus strand). Cytogenetic location: 16q24.3.
Variant type: single nucleotide variant.
Coding change: c.189G>A on transcript NM_001142864.4 (MANE Select); coding-DNA position 189, G replaced by A.
Protein change: p.Leu63=; no amino-acid change (leucine 63 retained).
Molecular consequence: synonymous variant.
Genome position (GRCh38, 1-based): chr16:88,742,394, C>T on the plus strand (G>A on the coding strand, the complement: PIEZO1 is on the minus strand). VCF-style: chr16-88742394-C-T. GRCh37 (hg19) VCF-style: chr16-88808802-C-T.
Identifiers: ClinVar variation 3029061 (VCV003029061.2), dbSNP rs2507939263, ClinGen allele CA497115285.